The following is an entry in ClinVar:

ClinVar aggregate classification (germline): Uncertain significance. Review status: criteria provided, multiple submitters, no conflicts (2 of 4 stars). 2 submissions from 2 submitters: Uncertain significance (2). Last evaluated 2023-08-16.

Conditions:
MYH14-related disorder. Also called: MYH14-related condition.

Allele frequency attached by ClinVar (database versions not stated): gnomAD exomes 0.00001 and 0.00002; ExAC 0.00003.
gnomAD v4.1: 11 of 1,612,920 alleles (0.00068%); highest among the groups gnomAD compares: Non-Finnish European, 0.00059%; no homozygotes.

Submissions (2):

PreventionGenetics, part of Exact Sciences
Classification: Uncertain significance for MYH14-related condition. Last evaluated: 2023-08-16. Review status: criteria provided, single submitter. Criteria: ACMG Guidelines, 2015. Collection method: clinical testing. Allele origin: germline.
Comment: The MYH14 c.5401G>A variant is predicted to result in the amino acid substitution p.Glu1801Lys. To our knowledge, this variant has not been reported in the literature. This variant is reported in 0.0036% of alleles in individuals of European (Non-Finnish) descent in gnomAD. At this time, the clinical significance of this variant is uncertain due to the absence of conclusive functional and genetic evidence.

Eurofins Ntd Llc (ga)
Classification: Uncertain significance. Last evaluated: 2018-02-19. Review status: criteria provided, single submitter. Criteria: EGL ClinVar v180209 classification definitions. Collection method: clinical testing. Allele origin: germline. Observed: 1 variant allele, 1 heterozygote.

NM_001145809.2(MYH14):c.5401G>A (p.Glu1801Lys)

Gene: MYH14 (myosin heavy chain 14; plus strand). Cytogenetic location: 19q13.33.
Variant type: single nucleotide variant.
Coding change: c.5401G>A on transcript NM_001145809.2 (MANE Select); coding-DNA position 5401, G replaced by A.
Protein change: p.Glu1801Lys; replaces glutamic acid 1801 with lysine.
Molecular consequence: missense variant.
Genome position (GRCh38, 1-based): chr19:50,293,619, G>A. VCF-style: chr19-50293619-G-A. GRCh37 (hg19) VCF-style: chr19-50796876-G-A.
Other names: c.5302G>A, p.Glu1768Lys (NM_001077186.2); c.5278G>A, p.Glu1760Lys (NM_024729.4); c.5401G>A (NM_001145809.1); short protein forms E1760K, E1801K, E1768K.
Identifiers: ClinVar variation 596140 (VCV000596140.6), dbSNP rs771246753, ClinGen allele CA9593785.